The following is an entry in ClinVar:

ClinVar aggregate classification (germline): Uncertain significance. Review status: criteria provided, multiple submitters, no conflicts (2 of 4 stars). 3 submissions from 3 submitters: Uncertain significance (2). 1 of the submissions does not count toward it. Last evaluated 2022-08-24.

Conditions:
Autosomal recessive polycystic kidney disease (ARPKD). Also called: AR polycystic kidney disease. Identifiers: Orphanet 731, Orphanet 8378, MedGen C0085548, MeSH D017044, MONDO:0009889.

Allele frequency attached by ClinVar (database versions not stated): gnomAD exomes below 0.00001; TOPMed 0.00003.
gnomAD v4.1: 1 of 1,614,062 alleles (0.000062%); highest among the groups gnomAD compares: African/African-American, 0.0013%; no homozygotes.

Submissions (3):

GeneDx
Classification: Uncertain significance. Last evaluated: 2022-08-24. Review status: criteria provided, single submitter. Criteria: GeneDx Variant Classification Process June 2021. Collection method: clinical testing. Allele origin: germline. Affected: yes.
Comment: Not observed at significant frequency in large population cohorts (gnomAD); In silico analysis supports that this missense variant has a deleterious effect on protein structure/function; Has not been previously published as pathogenic or benign to our knowledge

Labcorp Genetics (formerly Invitae), Labcorp
Classification: Uncertain significance for Autosomal recessive polycystic kidney disease. Last evaluated: 2022-06-03. Review status: criteria provided, single submitter. Criteria: Invitae Variant Classification Sherloc (09022015). Collection method: clinical testing. Allele origin: germline.
Comment: This sequence change replaces aspartic acid, which is acidic and polar, with valine, which is neutral and non-polar, at codon 986 of the PKHD1 protein (p.Asp986Val). This variant is not present in population databases (gnomAD no frequency). This variant has not been reported in the literature in individuals affected with PKHD1-related conditions. ClinVar contains an entry for this variant (Variation ID: 971627). Advanced modeling of protein sequence and biophysical properties (such as structural, functional, and spatial information, amino acid conservation, physicochemical variation, residue mobility, and thermodynamic stability) performed at Invitae indicates that this missense variant is not expected to disrupt PKHD1 protein function. In summary, the available evidence is currently insufficient to determine the role of this variant in disease. Therefore, it has been classified as a Variant of Uncertain Significance.

Natera, Inc.
Classification: Uncertain significance for Autosomal recessive polycystic kidney disease. Last evaluated: 2019-05-28. Review status: no assertion criteria provided. Collection method: clinical testing. Allele origin: germline. Not counted in ClinVar's aggregate classification.

NM_138694.4(PKHD1):c.2957A>T (p.Asp986Val)

Gene: PKHD1 (PKHD1 ciliary IPT domain containing fibrocystin/polyductin; minus strand). Cytogenetic location: 6p12.2.
Variant type: single nucleotide variant.
Coding change: c.2957A>T on transcript NM_138694.4 (MANE Select); coding-DNA position 2957, A replaced by T.
Protein change: p.Asp986Val; replaces aspartic acid 986 with valine.
Molecular consequence: missense variant.
Genome position (GRCh38, 1-based): chr6:52,042,999, T>A on the plus strand (A>T on the coding strand, the complement: PKHD1 is on the minus strand). VCF-style: chr6-52042999-T-A. GRCh37 (hg19) VCF-style: chr6-51907797-T-A.
Other names: c.2957A>T, p.Asp986Val (NM_170724.3); short protein forms D986V.
Identifiers: ClinVar variation 971627 (VCV000971627.13), dbSNP rs957113162, ClinGen allele CA138961818.
Genomic context (GRCh38, chr6:52,042,999, plus strand): 5'-ATGGCAAGACCAGAGGGTCTCACCAACATCAAGATCCGATGCATTCCAACAGGTAGCAAA[T>A]CTGTCTGACAGACTACATTGGTCTGGTTTGAGAAAATAACTTTGCAACTCGTTTTGTTCA-3'
Protein context (NP_619639.3, residues 976-996): SNQTNVVCQT[Asp986Val]LLPVGMHRIL